The following is an entry in ClinVar:

ClinVar aggregate classification (germline): Uncertain significance (1 of 4 stars; one submission).

Allele frequency attached by ClinVar (database versions not stated): gnomAD exomes 0.00001; TOPMed 0.00001; ExAC 0.00002.
gnomAD v4.1: 4 of 1,607,992 alleles (0.00025%); highest among the groups gnomAD compares: Admixed American, 0.0067%; no homozygotes.

Submission:

Labcorp Genetics (formerly Invitae), Labcorp
Classification: Uncertain significance. Last evaluated: 2023-05-08. Review status: criteria provided, single submitter. Criteria: Invitae Variant Classification Sherloc (09022015). Collection method: clinical testing. Allele origin: germline.
Comment: This sequence change replaces proline, which is neutral and non-polar, with histidine, which is basic and polar, at codon 100 of the MIPEP protein (p.Pro100His). This variant is present in population databases (rs766163320, gnomAD 0.01%). This variant has not been reported in the literature in individuals affected with MIPEP-related conditions. ClinVar contains an entry for this variant (Variation ID: 2160546). Advanced modeling of protein sequence and biophysical properties (such as structural, functional, and spatial information, amino acid conservation, physicochemical variation, residue mobility, and thermodynamic stability) performed at Invitae indicates that this missense variant is not expected to disrupt MIPEP protein function. In summary, the available evidence is currently insufficient to determine the role of this variant in disease. Therefore, it has been classified as a Variant of Uncertain Significance.

NM_005932.4(MIPEP):c.299C>A (p.Pro100His)

Gene: MIPEP (mitochondrial intermediate peptidase; minus strand). Cytogenetic location: 13q12.12.
Variant type: single nucleotide variant.
Coding change: c.299C>A on transcript NM_005932.4 (MANE Select); coding-DNA position 299, C replaced by A.
Protein change: p.Pro100His; replaces proline 100 with histidine.
Molecular consequence: missense variant.
Genome position (GRCh38, 1-based): chr13:23,886,397, G>T on the plus strand (C>A on the coding strand, the complement: MIPEP is on the minus strand). VCF-style: chr13-23886397-G-T. GRCh37 (hg19) VCF-style: chr13-24460536-G-T.
Other names: short protein forms P100H.
Identifiers: ClinVar variation 2160546 (VCV002160546.4), dbSNP rs766163320, ClinGen allele CA6913403.